The following is an entry in ClinVar:

NM_000141.5(FGFR2):c.540A>C (p.Pro180=)

Gene: FGFR2 (fibroblast growth factor receptor 2; minus strand). Cytogenetic location: 10q26.13.
Variant type: single nucleotide variant.
Coding change: c.540A>C on transcript NM_000141.5 (MANE Select); coding-DNA position 540, A replaced by C.
Protein change: p.Pro180=; no amino-acid change (proline 180 retained).
Molecular consequence: synonymous variant. On other transcripts: non-coding transcript variant (1).
Genome position (GRCh38, 1-based): chr10:121,551,374, T>G on the plus strand (A>C on the coding strand, the complement: FGFR2 is on the minus strand). VCF-style: chr10-121551374-T-G. GRCh37 (hg19) VCF-style: chr10-123310888-T-G.
Other names: c.540A>C, p.Pro180= (NM_001144913.1, NM_001144914.1, NM_001144917.2 and 3 more transcripts); c.273A>C, p.Pro91= (NM_001144915.2, NM_001144919.2, NM_001441088.1 and 2 more transcripts); c.195A>C, p.Pro65= (NM_001144916.2, NM_001144918.2, NM_001441090.1 and 1 more transcripts).
Identifiers: ClinVar variation 4875105 (VCV004875105.2).

ClinVar aggregate classification (germline): Likely benign (1 of 4 stars; one submission).

gnomAD v4.1: 4 of 1,614,222 alleles (0.00025%); highest among the groups gnomAD compares: Non-Finnish European, 0.00034%; no homozygotes.

Submission:

CeGaT Center for Human Genetics Tuebingen
Classification: Likely benign. Last evaluated: 2026-06-01. Review status: criteria provided, single submitter. Criteria: CeGaT Center For Human Genetics Tuebingen Variant Classification Criteria Version 2. Collection method: clinical testing. Allele origin: germline. Affected: yes. Observed: 1 variant allele.
Comment: FGFR2: BP4, BP7